The following is an entry in ClinVar:

NM_005337.5(NCKAP1L):c.1312G>C (p.Ala438Pro)

Gene: NCKAP1L (NCK associated protein 1 like; plus strand). Cytogenetic location: 12q13.2.
Variant type: single nucleotide variant.
Coding change: c.1312G>C on transcript NM_005337.5 (MANE Select); coding-DNA position 1312, G replaced by C.
Protein change: p.Ala438Pro; replaces alanine 438 with proline.
Molecular consequence: missense variant.
Genome position (GRCh38, 1-based): chr12:54,517,912, G>C. VCF-style: chr12-54517912-G-C. GRCh37 (hg19) VCF-style: chr12-54911696-G-C.
Other names: c.1162G>C, p.Ala388Pro (NM_001184976.2); short protein forms A388P, A438P.
Identifiers: ClinVar variation 2112309 (VCV002112309.4), dbSNP rs1956947325, ClinGen allele CA385135855.

ClinVar aggregate classification (germline): Uncertain significance (1 of 4 stars; one submission).

Allele frequency attached by ClinVar (database versions not stated): TOPMed below 0.00001.

Submission:

Labcorp Genetics (formerly Invitae), Labcorp
Classification: Uncertain significance. Last evaluated: 2022-03-15. Review status: criteria provided, single submitter. Criteria: Invitae Variant Classification Sherloc (09022015). Collection method: clinical testing. Allele origin: germline.
Comment: This variant is not present in population databases (gnomAD no frequency). This variant has not been reported in the literature in individuals affected with NCKAP1L-related conditions. Algorithms developed to predict the effect of missense changes on protein structure and function are either unavailable or do not agree on the potential impact of this missense change (SIFT: "Deleterious"; PolyPhen-2: "Possibly Damaging"; Align-GVGD: "Class C0"). In summary, the available evidence is currently insufficient to determine the role of this variant in disease. Therefore, it has been classified as a Variant of Uncertain Significance. This sequence change replaces alanine, which is neutral and non-polar, with proline, which is neutral and non-polar, at codon 438 of the NCKAP1L protein (p.Ala438Pro).